The following is an entry in ClinVar:

ClinVar aggregate classification (germline): Conflicting classifications of pathogenicity. Review status: criteria provided, conflicting classifications (1 of 4 stars). 3 submissions from 3 submitters: Likely pathogenic (1); Uncertain significance (1). 1 of the submissions does not count toward it. Last evaluated 2024-05-23.

Conditions:
Mitochondrial complex I deficiency, nuclear type 2. Also called: Mitochondrial complex 1 deficiency, nuclear type 2. Identifiers: MedGen C4748737, MONDO:0032606, OMIM 618222.

Allele frequency attached by ClinVar (database versions not stated): gnomAD 0.00003 and 0.00004; gnomAD exomes 0.00002; TOPMed 0.00002; ExAC 0.00002.
gnomAD v4.1: 37 of 1,611,892 alleles (0.0023%); highest among the groups gnomAD compares: Non-Finnish European, 0.0028%; no homozygotes.

Submissions (3):

GeneDx
Classification: Likely pathogenic. Last evaluated: 2024-05-23. Review status: criteria provided, single submitter. Criteria: GeneDx Variant Classification Process June 2021. Collection method: clinical testing. Allele origin: germline. Affected: yes.
Comment: Published functional studies demonstrate a damaging effect with a significant reduction of complex I activity (PMID: 11004438); Not observed at significant frequency in large population cohorts (gnomAD); In silico analysis supports that this missense variant has a deleterious effect on protein structure/function; This variant is associated with the following publications: (PMID: 30055843, 35148383, 9837812, 11004438)

Center for Pediatric Genomic Medicine, Children's Mercy Hospital and Clinics
Classification: Uncertain significance. Last evaluated: 2017-01-04. Review status: criteria provided, single submitter. Criteria: ACMG Guidelines, 2015. Collection method: clinical testing. Allele origin: germline.
ClinVar note: Converted during submission from Uncertain Significance to Uncertain significance.

OMIM
Classification: Pathogenic for MITOCHONDRIAL COMPLEX I DEFICIENCY, NUCLEAR TYPE 2. Last evaluated: 1998-12-01. Review status: no assertion criteria provided. Collection method: literature only. Allele origin: germline. Not counted in ClinVar's aggregate classification.

Literature cited by the submitters: PubMed 9837812 (cited by OMIM).

NM_002496.4(NDUFS8):c.305G>A (p.Arg102His)

Gene: NDUFS8 (NADH:ubiquinone oxidoreductase core subunit S8; plus strand). Cytogenetic location: 11q13.2.
Variant type: single nucleotide variant.
Coding change: c.305G>A on transcript NM_002496.4 (MANE Select); coding-DNA position 305, G replaced by A.
Protein change: p.Arg102His; replaces arginine 102 with histidine.
Molecular consequence: missense variant.
Genome position (GRCh38, 1-based): chr11:68,033,216, G>A. VCF-style: chr11-68033216-G-A. GRCh37 (hg19) VCF-style: chr11-67800683-G-A.
Other names: short protein forms R102H.
Identifiers: ClinVar variation 7512 (VCV000007512.6), dbSNP rs121912638, ClinGen allele CA118854.
Genomic context (GRCh38, chr11:68,033,216, plus strand): 5'-TCAACTACCCGTTCGAGAAGGGCCCGCTGAGCCCTCGCTTCCGTGGGGAGCATGCGCTGC[G>A]CCGGTACCCATCCGGGGAGGAGCGTTGCATTGCCTGCAAGCTCTGCGAGGCCATCTGCCC-3'
Protein context (NP_002487.1, residues 92-112): SPRFRGEHAL[Arg102His]RYPSGEERCI